The following is an entry in ClinVar:

NC_012920.1(MT-TY):m.5888del

Gene: MT-TY (mitochondrially encoded tRNA tyrosine; minus strand).
Variant type: Deletion.
Genome position: chrM-5884-AT-A.
Other names: m.5884AT>A.
Identifiers: ClinVar variation 9551 (VCV000009551.3), dbSNP rs118203892, ClinGen allele CA254829.

ClinVar aggregate classification (germline): Uncertain significance. Review status: reviewed by expert panel (3 of 4 stars). 3 submissions from 3 submitters: Uncertain significance (1). 2 of the submissions do not count toward it. Last evaluated 2024-06-24.

Conditions:
Mitochondrial disease. Also called: Mitochondrial disorders; Mitochondrial disorder. Identifiers: Orphanet 68380, MedGen C0751651, MeSH D028361, MONDO:0044970.
Kearns-Sayre syndrome. Also called: Chronic progressive external ophthalmoplegia with myopathy, somatic; OCULOCRANIOSOMATIC SYNDROME; OPHTHALMOPLEGIA, PIGMENTARY DEGENERATION OF RETINA, AND CARDIOMYOPATHY; CHRONIC PROGRESSIVE EXTERNAL OPHTHALMOPLEGIA WITH MYOPATHY; CPEO WITH MYOPATHY; Kearns-Sayre Syndrome (KSS). Identifiers: Orphanet 480, MedGen C0022541, MONDO:0010787, OMIM 530000.

Submissions (3):

ClinGen Mitochondrial Disease Nuclear and Mitochondrial  Variant Curation Expert Panel, ClinGen
Classification: Uncertain significance for Mitochondrial disease. Last evaluated: 2024-06-24. Review status: reviewed by expert panel. Criteria: clingen mito disease acmg specifications v1-1. Collection method: curation. Allele origin: germline. Inheritance: Mitochondrial inheritance.
Comment: The m.5888delT variant in MT-TY has been reported in one individual with primary mitochondrial disease to date (PMID: 11756614). Muscle biopsy showed ragged red fibers, COX-negative fibers, paracrystalline inclusions, and decreased activities of complexes I and IV. The variant was present at 78% in muscle and was undetectable in blood. This variant is absent in the GenBank dataset, Helix dataset, and gnomAD v3.1.2 (PM2_supporting). The computational predictor MitoTIP suggests this variant is pathogenic (53.2 percentile) and HmtVAR predicts it to be pathogenic score of 0.65 (PP3). Single fiber testing showed higher levels of the variant in COX-negative fibers (79.4%) than in COX positive fibers (19.8%), p<0.0001 (PS3_supporting, PMID: 11756614). In summary, this variant meets criteria to be classified as uncertain significance for primary mitochondrial disease inherited in a mitochondrial manner. This classification was approved by the NICHD/NINDS U24 ClinGen Mitochondrial Disease Variant Curation Expert Panel on June 24, 2024. Mitochondrial DNA-specific ACMG/AMP criteria applied (PMID: 32906214): PM2_supporting, PP3, PS3_supporting.

Unidad de Genómica Garrahan, Hospital de Pediatría Garrahan
Classification: Likely pathogenic for Mitochondrial disease. Last evaluated: 2026-03-16. Review status: criteria provided, single submitter. Criteria: ACMG Mitochondrial DNA Guidelines, 2020. Collection method: clinical testing. Allele origin: de novo. Inheritance: Mitochondrial inheritance. Affected: yes. Not counted in ClinVar's aggregate classification.
Comment: The mitochondrial DNA variant m.5888del in the MT-TY gene was absent from population databases, including GenBank, gnomAD v3.1.2, and MITOMAP. In silico predictive analyses suggest that this variant is likely to have a deleterious effect on protein function (MitoTIP), consistent with previously reported functional studies (PMID: 11756614). Heteroplasmy levels correlated with the degree of clinical involvement in the analyzed tissues, showing a markedly higher heteroplasmy burden in urinary epithelial cells (97%) compared with peripheral blood leukocytes (5%). Furthermore, this variant has previously been reported in a patient presenting with chronic progressive external ophthalmoplegia, mild myopathy, and exercise intolerance (ClinVar VCV000009551.2, PMID: 11756614). Based on the evidence described above, the variant is classified as likely pathogenic (PM2_supporting,PP3_supporting,PS3supporting, PS2_supporting, PM8_moderate).

OMIM
Classification: Pathogenic for CHRONIC PROGRESSIVE EXTERNAL OPHTHALMOPLEGIA WITH MYOPATHY, SOMATIC. Last evaluated: 2001-12-26. Review status: no assertion criteria provided. Collection method: literature only. Allele origin: somatic. Not counted in ClinVar's aggregate classification.

Literature cited by the submitters: PubMed 11756614 (cited by Unidad de Genómica Garrahan, Hospital de Pediatría Garrahan and OMIM).